The following is an entry in ClinVar:

NM_000288.4(PEX7):c.641T>C (p.Leu214Pro)

Gene: PEX7 (peroxisomal biogenesis factor 7; plus strand). Cytogenetic location: 6q23.3.
Variant type: single nucleotide variant.
Coding change: c.641T>C on transcript NM_000288.4 (MANE Select); coding-DNA position 641, T replaced by C.
Protein change: p.Leu214Pro; replaces leucine 214 with proline.
Molecular consequence: missense variant.
Genome position (GRCh38, 1-based): chr6:136,869,897, T>C. VCF-style: chr6-136869897-T-C. GRCh37 (hg19) VCF-style: chr6-137191035-T-C.
Other names: short protein forms L214P.
Identifiers: ClinVar variation 436287 (VCV000436287.11), dbSNP rs1554333880, ClinGen allele CA365763942.

ClinVar aggregate classification (germline): Conflicting classifications of pathogenicity. Review status: criteria provided, conflicting classifications (1 of 4 stars). 3 submissions from 3 submitters: Likely pathogenic (1); Uncertain significance (2). Last evaluated 2024-08-12.

Conditions:
Peroxisome biogenesis disorder 9B. Also called: PEX7-Related Refsum Disease; PEROXISOME BIOGENESIS DISORDER, PEX7-RELATED, ATYPICAL; Refsum disease, adult, 2. Identifiers: Orphanet 773, MedGen C2749346, MONDO:0013945, OMIM 614879.
Rhizomelic chondrodysplasia punctata type 1 (RCDP1). Also called: PEROXISOME BIOGENESIS DISORDER 9; PEX7-Related Rhizomelic Chondrodysplasia Punctata; CHONDRODYSTROPHIA CALCIFICANS PUNCTATA. Identifiers: Orphanet 177, Orphanet 309789, MedGen C1859133, MONDO:0008972, OMIM 215100. Disease mechanism: loss of function.

Submissions (3):

Women's Health and Genetics/Laboratory Corporation of America, LabCorp
Classification: Uncertain significance. Last evaluated: 2024-08-12. Review status: criteria provided, single submitter. Criteria: LabCorp Variant Classification Summary - May 2015. Collection method: clinical testing. Allele origin: germline.
Comment: Variant summary: PEX7 c.641T>C (p.Leu214Pro) results in a non-conservative amino acid change in the encoded protein sequence. Five of five in-silico tools predict a damaging effect of the variant on protein function. The variant was absent in 251378 control chromosomes (gnomAD). The available data on variant occurrences in the general population are insufficient to allow any conclusion about variant significance. To our knowledge, no occurrence of c.641T>C in individuals affected with Rhizomelic Chondrodysplasia Punctata Type 1 and no experimental evidence demonstrating its impact on protein function have been reported. ClinVar contains an entry for this variant (Variation ID: 436287). Based on the evidence outlined above, the variant was classified as uncertain significance.

Labcorp Genetics (formerly Invitae), Labcorp
Classification: Uncertain significance for Peroxisome biogenesis disorder 9B. Last evaluated: 2021-09-17. Review status: criteria provided, single submitter. Criteria: Invitae Variant Classification Sherloc (09022015). Collection method: clinical testing. Allele origin: germline.
Comment: This sequence change replaces leucine with proline at codon 214 of the PEX7 protein (p.Leu214Pro). The leucine residue is moderately conserved and there is a moderate physicochemical difference between leucine and proline. This variant is not present in population databases (ExAC no frequency). This variant has not been reported in the literature in individuals with PEX7-related conditions. ClinVar contains an entry for this variant (Variation ID: 436287). Algorithms developed to predict the effect of missense changes on protein structure and function are either unavailable or do not agree on the potential impact of this missense change (SIFT: "Deleterious"; PolyPhen-2: "Possibly Damaging"; Align-GVGD: "Class C0"). In summary, the available evidence is currently insufficient to determine the role of this variant in disease. Therefore, it has been classified as a Variant of Uncertain Significance.

Genetic Services Laboratory, University of Chicago
Classification: Likely pathogenic for Rhizomelic chondrodysplasia punctata, type 1. Last evaluated: 2016-10-11. Review status: criteria provided, single submitter. Criteria: ACMG Guidelines, 2015. Collection method: clinical testing. Allele origin: germline. Affected: yes.